The following is an entry in ClinVar:

NM_004006.3(DMD):c.2836G>A (p.Glu946Lys)

Gene: DMD (dystrophin; minus strand). Cytogenetic location: Xp21.1.
Variant type: single nucleotide variant.
Coding change: c.2836G>A on transcript NM_004006.3 (MANE Select); coding-DNA position 2836, G replaced by A.
Protein change: p.Glu946Lys; replaces glutamic acid 946 with lysine.
Molecular consequence: missense variant.
Genome position (GRCh38, 1-based): chrX:32,472,277, C>T on the plus strand (G>A on the coding strand, the complement: DMD is on the minus strand). VCF-style: chrX-32472277-C-T. GRCh37 (hg19) VCF-style: chrX-32490394-C-T.
Other names: c.2812G>A, p.Glu938Lys (NM_000109.4); c.2824G>A, p.Glu942Lys (NM_004009.3); c.2467G>A, p.Glu823Lys (NM_004010.3); short protein forms E946K, E823K, E942K, E938K.
Identifiers: ClinVar variation 2074908 (VCV002074908.4), dbSNP rs1234700953, ClinGen allele CA412668220.
Genomic context (GRCh38, chrX:32,472,277, plus strand): 5'-GAGGTATGGAGAGTTTGGTTTCTGACTGCTGGACCCATGTCCTGATGGCACTCATGGTCT[C>T]CTGATAGCGCATTGGTGGCAAAGTGTCAAAAACTTTATCAAAAGGGAAAAAAGAATGAGA-3'
Protein context (NP_003997.2, residues 936-956): FDTLPPMRYQ[Glu946Lys]TMSAIRTWVQ

ClinVar aggregate classification (germline): Uncertain significance (1 of 4 stars; one submission).

Conditions:
Duchenne muscular dystrophy (DMD). Also called: MUSCULAR DYSTROPHY, PSEUDOHYPERTROPHIC PROGRESSIVE, DUCHENNE TYPE; Duchenne Muscular Dystrophy (DMD). Identifiers: Orphanet 98896, MedGen C0013264, MONDO:0010679, OMIM 310200.

gnomAD v4.1: 1 of 1,210,701 alleles (0.000083%); highest among the groups gnomAD compares: Non-Finnish European, 0.00011%; no homozygotes.

Submission:

Labcorp Genetics (formerly Invitae), Labcorp
Classification: Uncertain significance for Duchenne muscular dystrophy. Last evaluated: 2022-01-04. Review status: criteria provided, single submitter. Criteria: Invitae Variant Classification Sherloc (09022015). Collection method: clinical testing. Allele origin: germline.
Comment: This variant has not been reported in the literature in individuals affected with DMD-related conditions. In summary, the available evidence is currently insufficient to determine the role of this variant in disease. Therefore, it has been classified as a Variant of Uncertain Significance. Algorithms developed to predict the effect of missense changes on protein structure and function are either unavailable or do not agree on the potential impact of this missense change (SIFT: "Deleterious"; PolyPhen-2: "Probably Damaging"; Align-GVGD: "Class C15"). This variant is not present in population databases (gnomAD no frequency). This sequence change replaces glutamic acid, which is acidic and polar, with lysine, which is basic and polar, at codon 946 of the DMD protein (p.Glu946Lys).